The following is an entry in ClinVar:

ClinVar aggregate classification (germline): Conflicting classifications of pathogenicity. Review status: criteria provided, conflicting classifications (1 of 4 stars). 3 submissions from 3 submitters: Uncertain significance (2); Likely benign (1). Last evaluated 2024-04-16.

Conditions:
Hereditary breast ovarian cancer syndrome. Also called: Hereditary breast and ovarian cancer syndrome; Hereditary breast and ovarian cancer; Hereditary breast and ovarian cancer syndrome (HBOC); Breast and ovarian cancer; Hereditary breast and/or ovarian cancer syndrome; BRCA1- and BRCA2-Associated Hereditary Breast and Ovarian Cancer. Identifiers: Orphanet 145, MedGen C0677776, MeSH D061325, MONDO:0003582. Disease mechanism: loss of function.
Hereditary cancer-predisposing syndrome. Also called: Neoplastic Syndromes, Hereditary; Tumor predisposition; Hereditary neoplastic syndrome; Hereditary Cancer Syndrome. Identifiers: Orphanet 140162, MedGen C0027672, MeSH D009386, MONDO:0015356.

Submissions (3):

Labcorp Genetics (formerly Invitae), Labcorp
Classification: Uncertain significance for Hereditary breast ovarian cancer syndrome. Last evaluated: 2024-04-16. Review status: criteria provided, single submitter. Criteria: Invitae Variant Classification Sherloc (09022015). Collection method: clinical testing. Allele origin: germline.
Comment: This sequence change replaces asparagine, which is neutral and polar, with serine, which is neutral and polar, at codon 1316 of the BRCA2 protein (p.Asn1316Ser). This variant is not present in population databases (gnomAD no frequency). This variant has not been reported in the literature in individuals affected with BRCA2-related conditions. ClinVar contains an entry for this variant (Variation ID: 824412). Advanced modeling of protein sequence and biophysical properties (such as structural, functional, and spatial information, amino acid conservation, physicochemical variation, residue mobility, and thermodynamic stability) performed at Invitae indicates that this missense variant is not expected to disrupt BRCA2 protein function with a negative predictive value of 95%. In summary, the available evidence is currently insufficient to determine the role of this variant in disease. Therefore, it has been classified as a Variant of Uncertain Significance.

University of Washington Department of Laboratory Medicine, University of Washington
Classification: Likely benign for Hereditary cancer-predisposing syndrome. Last evaluated: 2023-03-23. Review status: criteria provided, single submitter. Criteria: Dines et al. (Genet Med. 2020). Collection method: curation. Allele origin: germline.
Comment: Missense variant in a coldspot region where missense variants are very unlikely to be pathogenic (PMID:31911673).

BRCA2 exon 11 coldspot. Reclassification based on statistical prior probability.

Ambry Genetics
Classification: Uncertain significance for Hereditary cancer-predisposing syndrome. Last evaluated: 2019-08-07. Review status: criteria provided, single submitter. Criteria: Ambry Variant Classification Scheme 2023. Collection method: clinical testing. Allele origin: germline.
Comment: The p.N1316S variant (also known as c.3947A>G), located in coding exon 10 of the BRCA2 gene, results from an A to G substitution at nucleotide position 3947. The asparagine at codon 1316 is replaced by serine, an amino acid with highly similar properties. This amino acid position is poorly conserved in available vertebrate species. In addition, this alteration is predicted to be tolerated by in silico analysis. Since supporting evidence is limited at this time, the clinical significance of this alteration remains unclear.

NM_000059.4(BRCA2):c.3947A>G (p.Asn1316Ser)

Gene: BRCA2 (BRCA2 DNA repair associated; plus strand). Cytogenetic location: 13q13.1.
Variant type: single nucleotide variant.
Coding change: c.3947A>G on transcript NM_000059.4 (MANE Select); coding-DNA position 3947, A replaced by G.
Protein change: p.Asn1316Ser; replaces asparagine 1316 with serine.
Molecular consequence: missense variant.
Genome position (GRCh38, 1-based): chr13:32,338,302, A>G. VCF-style: chr13-32338302-A-G. GRCh37 (hg19) VCF-style: chr13-32912439-A-G.
Other names: short protein forms N1316S.
Identifiers: ClinVar variation 824412 (VCV000824412.8), dbSNP rs1593900994, ClinGen allele CA387778883.